The following is an entry in ClinVar:

ClinVar aggregate classification (germline): Uncertain significance (1 of 4 stars; one submission).

Submission:

CeGaT Center for Human Genetics Tuebingen
Classification: Uncertain significance. Last evaluated: 2023-07-01. Review status: criteria provided, single submitter. Criteria: CeGaT Center For Human Genetics Tuebingen Variant Classification Criteria Version 2. Collection method: clinical testing. Allele origin: germline. Affected: yes. Observed: 1 variant allele.
Comment: TTN: PM2, BP4

NM_001267550.2(TTN):c.106579G>A (p.Glu35527Lys)

Genes: TTN (titin; minus strand), TTN-AS1 (TTN antisense RNA 1; plus strand). Cytogenetic location: 2q31.2.
Variant type: single nucleotide variant.
Coding change: c.106579G>A on transcript NM_001267550.2 (MANE Select); coding-DNA position 106579, G replaced by A.
Protein change: p.Glu35527Lys; replaces glutamic acid 35527 with lysine.
Molecular consequence: missense variant.
Genome position (GRCh38, 1-based): chr2:178,529,172, C>T on the plus strand (G>A on the coding strand, the complement: TTN is on the minus strand). VCF-style: chr2-178529172-C-T. GRCh37 (hg19) VCF-style: chr2-179393899-C-T.
Other names: c.101656G>A, p.Glu33886Lys (NM_001256850.1); c.79384G>A, p.Glu26462Lys (NM_003319.4); c.98875G>A, p.Glu32959Lys (NM_133378.4); c.79759G>A, p.Glu26587Lys (NM_133432.3); c.79960G>A, p.Glu26654Lys (NM_133437.4); short protein forms E26462K, E26587K, E26654K, E32959K, E33886K, E35527K.
Identifiers: ClinVar variation 2651575 (VCV002651575.24), dbSNP rs1487778594, ClinGen allele CA349404303.